The following is an entry in ClinVar:

ClinVar aggregate classification (germline): Conflicting classifications of pathogenicity. Review status: criteria provided, conflicting classifications (1 of 4 stars). 3 submissions from 3 submitters: Uncertain significance (1); Likely benign (1). 1 of the submissions does not count toward it. Last evaluated 2024-01-08.

Conditions:
Primary ciliary dyskinesia. Also called: Ciliary dyskinesia. Identifiers: Orphanet 244, MedGen C0008780, MONDO:0016575, HP:0012265.

Allele frequency attached by ClinVar (database versions not stated): 1000 Genomes Project 0.00020; 1000 Genomes Project 30x 0.00047; gnomAD 0.00111 and 0.00122; TOPMed 0.00141; gnomAD exomes 0.00148; ESP Exome Variant Server 0.00175.
gnomAD v4.1: 2,145 of 1,500,904 alleles (0.14%); highest among the groups gnomAD compares: Admixed American, 0.31%; 2 homozygotes.

Submissions (3):

Labcorp Genetics (formerly Invitae), Labcorp
Classification: Likely benign for Primary ciliary dyskinesia. Last evaluated: 2024-01-08. Review status: criteria provided, single submitter. Criteria: Invitae Variant Classification Sherloc (09022015). Collection method: clinical testing. Allele origin: germline.

GeneDx
Classification: Uncertain significance. Last evaluated: 2022-11-02. Review status: criteria provided, single submitter. Criteria: GeneDx Variant Classification Process June 2021. Collection method: clinical testing. Allele origin: germline. Affected: yes.
Comment: Identified in the heterozygous state in a patient with total sperm immotility in published literature (Pereira et al., 2015); In silico analysis supports that this variant does not alter splicing; This variant is associated with the following publications: (PMID: 25877373)

Natera, Inc.
Classification: Likely benign for Primary ciliary dyskinesia. Last evaluated: 2021-06-14. Review status: no assertion criteria provided. Collection method: clinical testing. Allele origin: germline. Not counted in ClinVar's aggregate classification.

NM_012144.4(DNAI1):c.81+61A>G

Gene: DNAI1 (dynein axonemal intermediate chain 1; plus strand). Cytogenetic location: 9p13.3.
Variant type: single nucleotide variant.
Coding change: c.81+61A>G on transcript NM_012144.4 (MANE Select); 61 bases into the intron after coding-DNA position 81, A replaced by G.
Molecular consequence: intron variant.
Genome position (GRCh38, 1-based): chr9:34,483,541, A>G. VCF-style: chr9-34483541-A-G. GRCh37 (hg19) VCF-style: chr9-34483539-A-G.
Other names: c.81+61A>G (NM_001281428.2).
Identifiers: ClinVar variation 1090330 (VCV001090330.16), dbSNP rs192896482, ClinGen allele CA192625894.
Genomic context (GRCh38, chr9:34,483,541, plus strand): 5'-GTAAGTGCTGAGACTACCATGGTCTCTCAGCAAGATGCTAATAGTGTTTTTTTTGTTGAA[A>G]ATATTATTTATGTGTTTTTAGAAAATGCAAATGAACTAAAAGAAGAATGTTAAAATCACC-3'